The following is an entry in ClinVar:

ClinVar aggregate classification (germline): Pathogenic (1 of 4 stars; one submission).

Submission:

Labcorp Genetics (formerly Invitae), Labcorp
Classification: Pathogenic. Last evaluated: 2023-08-01. Review status: criteria provided, single submitter. Criteria: Invitae Variant Classification Sherloc (09022015). Collection method: clinical testing. Allele origin: unknown.
Comment: For these reasons, this variant has been classified as Pathogenic. This variant disrupts a region of the ADAMTS17 protein in which other variant(s) (p.Cys1023Tyr) have been determined to be pathogenic (PMID: 32616716). This suggests that this is a clinically significant region of the protein, and that variants that disrupt it are likely to be disease-causing. This variant has not been reported in the literature in individuals affected with ADAMTS17-related conditions. This variant is a gross deletion of the genomic region encompassing exon(s) 16-22 of the ADAMTS17 gene, which includes the termination codon. This deletion extends beyond the assayed region for this gene and therefore may encompass additional genes. While this deletion is not anticipated to lead to nonsense mediated decay, it is expected to alter mRNA translation or result in a truncated protein product.

Literature cited by the submitters: PubMed 32616716.

NC_000015.9:g.(?_100514607)_(100594279_?)del

Gene: ADAMTS17 (ADAM metallopeptidase with thrombospondin type 1 motif 17; minus strand). Cytogenetic location: 15q26.3.
Variant type: Deletion.
Identifiers: ClinVar variation 3243915 (VCV003243915.1).